The following is an entry in ClinVar:

ClinVar aggregate classification (germline): Pathogenic. Review status: criteria provided, multiple submitters, no conflicts (2 of 4 stars). 8 submissions from 8 submitters: Pathogenic (6). 2 of the submissions do not count toward it. Last evaluated 2026-09-17.

Conditions:
Metachromatic leukodystrophy (MLD). Also called: ARSA DEFICIENCY; CEREBROSIDE SULFATASE DEFICIENCY; SULFATIDE LIPIDOSIS; Arylsulfatase A Deficiency; Cerebral sclerosis diffuse metachromatic form; METACHROMATIC LEUKOENCEPHALOPATHY. Identifiers: Orphanet 512, MedGen C0023522, MONDO:0018868, OMIM 250100.
Metachromatic leukodystrophy, late infantile form. Also called: Metachromatic leukodystrophy, late infantile. Identifiers: Orphanet 309256, MedGen C0751278, MONDO:0017729.

Allele frequency attached by ClinVar (database versions not stated): gnomAD exomes below 0.00001 and 0.00001; TOPMed 0.00001.

Submissions (9):

Laboratory of Experimental Gene Therapy of Hereditary Metabolic Diseases, Research Centre for Medical Genetics
Classification: Pathogenic for Metachromatic leukodystrophy. Last evaluated: 2026-09-17. Review status: criteria provided, single submitter. Criteria: ARSA MLD Assertion Criteria V2 2026 09 18. Collection method: clinical testing. Allele origin: germline. Inheritance: Autosomal recessive inheritance. Observed: 3 variant alleles, 1 heterozygote, 2 compound heterozygotes.
Comment: The previously reported Pathogenic classification was reviewed and retained for the accompanying study. External ClinVar record reviewed: VCV000003091.24. Observations from the present referral series were not used to establish pathogenicity.

Labcorp Genetics (formerly Invitae), Labcorp
Classification: Pathogenic for Metachromatic leukodystrophy. Last evaluated: 2026-02-02. Review status: criteria provided, single submitter. Criteria: Invitae Variant Classification Sherloc (09022015). Collection method: clinical testing. Allele origin: germline.
Comment: This sequence change replaces glutamic acid, which is acidic and polar, with lysine, which is basic and polar, at codon 255 of the ARSA protein (p.Glu255Lys). This variant is present in population databases (rs74315483, gnomAD 0.0009%). This missense change has been observed in individual(s) with late infantile metachromatic leukodystrophy (PMID: 11941485, 18786133). In at least one individual the data is consistent with being in trans (on the opposite chromosome) from a pathogenic variant. This variant is also known as E253K. ClinVar contains an entry for this variant (Variation ID: 3091). Invitae Evidence Modeling of protein sequence and biophysical properties (such as structural, functional, and spatial information, amino acid conservation, physicochemical variation, residue mobility, and thermodynamic stability) indicates that this missense variant is expected to disrupt ARSA protein function with a positive predictive value of 95%. Experimental studies have shown that this missense change affects ARSA function (PMID: 11941485). For these reasons, this variant has been classified as Pathogenic.

Natera, Inc.
Classification: Pathogenic for Metachromatic leukodystrophy. Last evaluated: 2025-06-30. Review status: criteria provided, single submitter. Criteria: Natera Variant Classification Schema (03/2026). Collection method: clinical testing. Allele origin: germline.
Comment: The c.763G>A variant in ARSA is a missense variant predicted to cause substitution of glutamic acid to lysine at amino acid 255. This variant is rare in the general population with a frequency below the threshold expected for the associated phenotype(s). This variant has been observed in one or more individuals affected with the associated recessive disease, as either homozygous or compound heterozygous with a second variant (PMID: 23559313, 18693274). Computational prediction algorithms indicate this variant is likely to affect gene or protein function. Given the available evidence, this variant is classified as Pathogenic.

GeneDx
Classification: Pathogenic. Last evaluated: 2022-11-18. Review status: criteria provided, single submitter. Criteria: GeneDx Variant Classification Process June 2021. Collection method: clinical testing. Allele origin: germline. Affected: yes.
Comment: Published functional demonstrate residual enzyme activity of 6.7% compared to controls, supporting a damaging effect (Regis et al., 2002); Not observed at significant frequency in large population cohorts (gnomAD); In silico analysis supports that this missense variant has a deleterious effect on protein structure/function; This variant is associated with the following publications: (PMID: 18786133, 23559313, 26462614, 31589614, 18693274, 11941485)

Laboratory for Molecular Genetic Diagnostic of Neurological Diseases, University of Belgrade, School of Medicine
Classification: Pathogenic for Metachromatic leukodystrophy. Last evaluated: 2021-07-01. Review status: criteria provided, single submitter. Criteria: ACMG Guidelines, 2015. Collection method: clinical testing. Allele origin: unknown. Inheritance: Autosomal recessive inheritance. Affected: yes. Observed: 1 compound heterozygote.

Centre for Mendelian Genomics, University Medical Centre Ljubljana
Classification: Pathogenic for Metachromatic leukodystrophy. Last evaluated: 2019-09-08. Review status: criteria provided, single submitter. Criteria: ACMG Guidelines, 2015. Collection method: clinical testing. Allele origin: unknown. Affected: yes.
Comment: This variant was classified as: Pathogenic. The following ACMG criteria were applied in classifying this variant: PS1,PM2,PS3_M,PM3,PP3,PP4.

Counsyl
Classification: Likely pathogenic for Metachromatic leukodystrophy. Last evaluated: 2014-03-30. Review status: no assertion criteria provided. Collection method: literature only. Allele origin: unknown. Inheritance: Autosomal recessive inheritance. Not counted in ClinVar's aggregate classification.

OMIM
Classification: Pathogenic for METACHROMATIC LEUKODYSTROPHY, LATE INFANTILE. Last evaluated: 2002-04-01. Review status: no assertion criteria provided. Collection method: literature only. Allele origin: germline. Not counted in ClinVar's aggregate classification.

Gelb Laboratory, University of Washington
No classification provided (evidence only). Condition: Metachromatic leukodystrophy. Review status: no classification provided. Collection method: in vitro. Allele origin: not applicable. Functional consequence: loss of function. Not counted in ClinVar's aggregate classification.

Literature cited by the submitters: PubMed 11941485 (cited by 3 submitters); PubMed 18786133 (cited by Labcorp Genetics (formerly Invitae), Labcorp and Counsyl); PubMed 23559313 (cited by Natera, Inc.); PubMed 18693274 (cited by Natera, Inc. and Counsyl).

NM_000487.6(ARSA):c.763G>A (p.Glu255Lys)

Gene: ARSA (arylsulfatase A; minus strand). Cytogenetic location: 22q13.33.
Variant type: single nucleotide variant.
Coding change: c.763G>A on transcript NM_000487.6 (MANE Select); coding-DNA position 763, G replaced by A.
Protein change: p.Glu255Lys; replaces glutamic acid 255 with lysine.
Molecular consequence: missense variant.
Genome position (GRCh38, 1-based): chr22:50,626,682, C>T on the plus strand (G>A on the coding strand, the complement: ARSA is on the minus strand). VCF-style: chr22-50626682-C-T. GRCh37 (hg19) VCF-style: chr22-51065110-C-T.
Other names: E253K; NP_000478.3:p.(Glu255Lys); c.763G>A, p.Glu255Lys (NM_001085425.3, NM_001085426.3, NM_001085427.3); c.505G>A, p.Glu169Lys (NM_001085428.3, NM_001362782.2); short protein forms E255K, E169K.
Identifiers: ClinVar variation 3091 (VCV000003091.26), dbSNP rs74315483, ClinGen allele CA116007.